The following is an entry in ClinVar:

ClinVar aggregate classification (germline): Benign/Likely benign. Review status: criteria provided, multiple submitters, no conflicts (2 of 4 stars). 7 submissions from 7 submitters: Benign (2); Likely benign (3). 2 of the submissions do not count toward it. Last evaluated 2026-07-01.

Allele frequency attached by ClinVar (database versions not stated): gnomAD exomes 0.00172 and 0.00305; ExAC 0.00289; 1000 Genomes Project 30x 0.00547; gnomAD 0.00552 and 0.00594; 1000 Genomes Project 0.00559; ESP Exome Variant Server 0.00600; TOPMed 0.00689.
gnomAD v4.1: 3,561 of 1,614,124 alleles (0.22%); highest among the groups gnomAD compares: African/African-American, 1.3%; 18 homozygotes.

Submissions (7):

CeGaT Center for Human Genetics Tuebingen
Classification: Benign. Last evaluated: 2026-07-01. Review status: criteria provided, single submitter. Criteria: CeGaT Center For Human Genetics Tuebingen Variant Classification Criteria Version 2. Collection method: clinical testing. Allele origin: germline. Affected: yes. Observed: 2 variant alleles.
Comment: TAB2: BP4, BP7, BS1, BS2

Labcorp Genetics (formerly Invitae), Labcorp
Classification: Benign. Last evaluated: 2026-01-28. Review status: criteria provided, single submitter. Criteria: Invitae Variant Classification Sherloc (09022015). Collection method: clinical testing. Allele origin: germline.

Blueprint Genetics
Classification: Likely benign. Last evaluated: 2024-11-15. Review status: criteria provided, single submitter. Criteria: ACMG Guidelines, 2015. Collection method: clinical testing. Allele origin: germline.

GeneDx
Classification: Likely benign. Last evaluated: 2021-03-30. Review status: criteria provided, single submitter. Criteria: GeneDx Variant Classification Process June 2021. Collection method: clinical testing. Allele origin: germline. Affected: yes.

Breakthrough Genomics
Classification: Likely benign. Review status: criteria provided, single submitter. Criteria: ACMG Guidelines, 2015. Collection method: not provided. Allele origin: germline. Inheritance: Autosomal dominant inheritance. Affected: yes.

Clinical Genetics DNA and cytogenetics Diagnostics Lab, Erasmus MC, Erasmus Medical Center
Classification: Benign. Review status: no assertion criteria provided. Collection method: clinical testing. Allele origin: germline. Affected: yes. Study: VKGL Data-share Consensus. Not counted in ClinVar's aggregate classification.

Joint Genome Diagnostic Labs from Nijmegen and Maastricht, Radboudumc and MUMC+
Classification: Likely benign. Review status: no assertion criteria provided. Collection method: clinical testing. Allele origin: germline. Affected: yes. Study: VKGL Data-share Consensus. Not counted in ClinVar's aggregate classification.

NM_001292034.3(TAB2):c.1128G>A (p.Thr376=)

Genes: TAB2 (TGF-beta activated kinase 1 (MAP3K7) binding protein 2; plus strand), LOC126859827 (BRD4-independent group 4 enhancer GRCh37_chr6:149699707-149700906; plus strand). Cytogenetic location: 6q25.1.
Variant type: single nucleotide variant.
Coding change: c.1128G>A on transcript NM_001292034.3 (MANE Select); coding-DNA position 1128, G replaced by A.
Protein change: p.Thr376=; no amino-acid change (threonine 376 retained).
Molecular consequence: synonymous variant.
Genome position (GRCh38, 1-based): chr6:149,379,043, G>A. VCF-style: chr6-149379043-G-A. GRCh37 (hg19) VCF-style: chr6-149700179-G-A.
Other names: c.1128G>A (NM_015093.4); c.1032G>A, p.Thr344= (NM_001292035.3); c.1128G>A, p.Thr376= (NM_001369506.1, NM_015093.6).
Identifiers: ClinVar variation 780666 (VCV000780666.40), dbSNP rs34220315, ClinGen allele CA4041493.